The following is an entry in ClinVar:

NM_001010892.3(RSPH4A):c.1752A>C (p.Glu584Asp)

Gene: RSPH4A (radial spoke head component 4A; plus strand). Cytogenetic location: 6q22.1.
Variant type: single nucleotide variant.
Coding change: c.1752A>C on transcript NM_001010892.3 (MANE Select); coding-DNA position 1752, A replaced by C.
Protein change: p.Glu584Asp; replaces glutamic acid 584 with aspartic acid.
Molecular consequence: missense variant. On other transcripts: intron variant (1).
Genome position (GRCh38, 1-based): chr6:116,629,656, A>C. VCF-style: chr6-116629656-A-C. GRCh37 (hg19) VCF-style: chr6-116950819-A-C.
Other names: c.1663-779A>C (NM_001161664.2); short protein forms E584D.
Identifiers: ClinVar variation 2633353 (VCV002633353.1), dbSNP rs914594241, ClinGen allele CA145927830.

ClinVar aggregate classification (germline): Uncertain significance (1 of 4 stars; one submission).

Conditions:
RSPH4A-related disorder. Also called: RSPH4A-related condition.

Allele frequency attached by ClinVar (database versions not stated): TOPMed below 0.00001; gnomAD 0.00001.

Submission:

PreventionGenetics, part of Exact Sciences
Classification: Uncertain significance for RSPH4A-related condition. Last evaluated: 2023-03-16. Review status: criteria provided, single submitter. Criteria: ACMG Guidelines, 2015. Collection method: clinical testing. Allele origin: germline.
Comment: The RSPH4A c.1752A>C variant is predicted to result in the amino acid substitution p.Glu584Asp. To our knowledge, this variant has not been reported in the literature or in a large population database, indicating this variant is rare. At this time, the clinical significance of this variant is uncertain due to the absence of conclusive functional and genetic evidence.